The following is an entry in ClinVar:

NM_003482.4(KMT2D):c.5860G>T (p.Asp1954Tyr)

Gene: KMT2D (lysine methyltransferase 2D; minus strand). Cytogenetic location: 12q13.12.
Variant type: single nucleotide variant.
Coding change: c.5860G>T on transcript NM_003482.4 (MANE Select); coding-DNA position 5860, G replaced by T.
Protein change: p.Asp1954Tyr; replaces aspartic acid 1954 with tyrosine.
Molecular consequence: missense variant.
Genome position (GRCh38, 1-based): chr12:49,042,568, C>A on the plus strand (G>T on the coding strand, the complement: KMT2D is on the minus strand). VCF-style: chr12-49042568-C-A. GRCh37 (hg19) VCF-style: chr12-49436351-C-A.
Other names: short protein forms D1954Y.
Identifiers: ClinVar variation 4801237 (VCV004801237.1).

ClinVar aggregate classification (germline): Uncertain significance (1 of 4 stars; one submission).

Conditions:
Kabuki syndrome. Also called: NIIKAWA-KUROKI SYNDROME; Kabuki make-up syndrome. Identifiers: Orphanet 2322, MedGen C0796004, MONDO:0016512.

Submission:

Labcorp Genetics (formerly Invitae), Labcorp
Classification: Uncertain significance for Kabuki syndrome. Last evaluated: 2025-05-11. Review status: criteria provided, single submitter. Criteria: Invitae Variant Classification Sherloc (09022015). Collection method: clinical testing. Allele origin: germline.
Comment: This sequence change replaces aspartic acid, which is acidic and polar, with tyrosine, which is neutral and polar, at codon 1954 of the KMT2D protein (p.Asp1954Tyr). This variant is not present in population databases (gnomAD no frequency). This variant has not been reported in the literature in individuals affected with KMT2D-related conditions. Invitae Evidence Modeling of protein sequence and biophysical properties (such as structural, functional, and spatial information, amino acid conservation, physicochemical variation, residue mobility, and thermodynamic stability) indicates that this missense variant is not expected to disrupt KMT2D protein function with a negative predictive value of 95%. Algorithms developed to predict the effect of sequence changes on RNA splicing suggest that this variant may disrupt the consensus splice site. In summary, the available evidence is currently insufficient to determine the role of this variant in disease. Therefore, it has been classified as a Variant of Uncertain Significance.